The following is an entry in ClinVar:

ClinVar aggregate classification (germline): Uncertain significance. Review status: criteria provided, multiple submitters, no conflicts (2 of 4 stars). 3 submissions from 3 submitters: Uncertain significance (3). Last evaluated 2024-11-30.

Conditions:
Ehlers-Danlos syndrome, classic type, 1 (EDSCL1). Also called: Ehlers-Danlos Syndrome, Classic Type, COL5A1-Related; EHLERS-DANLOS SYNDROME, GRAVIS TYPE; EHLERS-DANLOS SYNDROME, SEVERE CLASSIC TYPE; Ehlers-Danlos syndrome, type 1; EDS I. Identifiers: MedGen C0268335, MONDO:0019567, OMIM 130000.
Ehlers-Danlos syndrome, classic type, 2 (EDSCL2). Also called: Ehlers-Danlos Syndrome, Classic Type, COL5A2-Related; Ehlers-Danlos syndrome type 2 (formerly); Ehlers-Danlos syndrome, type 2. Identifiers: Orphanet 287, Orphanet 90318, MedGen C0268336, MONDO:0019568, OMIM 130010.

Allele frequency attached by ClinVar (database versions not stated): ExAC 0.00001; gnomAD exomes 0.00001.
gnomAD v4.1: 4 of 1,614,070 alleles (0.00025%); highest among the groups gnomAD compares: South Asian, 0.0022%; no homozygotes.

Submissions (3):

Labcorp Genetics (formerly Invitae), Labcorp
Classification: Uncertain significance for Ehlers-Danlos syndrome, classic type, 1. Last evaluated: 2024-11-30. Review status: criteria provided, single submitter. Criteria: Invitae Variant Classification Sherloc (09022015). Collection method: clinical testing. Allele origin: germline.
Comment: This sequence change replaces histidine, which is basic and polar, with arginine, which is basic and polar, at codon 1239 of the COL5A2 protein (p.His1239Arg). This variant is present in population databases (rs773321546, gnomAD 0.003%). This variant has not been reported in the literature in individuals affected with COL5A2-related conditions. ClinVar contains an entry for this variant (Variation ID: 213159). Invitae Evidence Modeling of protein sequence and biophysical properties (such as structural, functional, and spatial information, amino acid conservation, physicochemical variation, residue mobility, and thermodynamic stability) indicates that this missense variant is not expected to disrupt COL5A2 protein function with a negative predictive value of 80%. In summary, the available evidence is currently insufficient to determine the role of this variant in disease. Therefore, it has been classified as a Variant of Uncertain Significance.

Fulgent Genetics
Classification: Uncertain significance for Ehlers-Danlos syndrome, classic type, 2. Last evaluated: 2022-03-03. Review status: criteria provided, single submitter. Criteria: ACMG Guidelines, 2015. Collection method: clinical testing. Allele origin: unknown.

GeneDx
Classification: Uncertain significance. Last evaluated: 2018-01-16. Review status: criteria provided, single submitter. Criteria: GeneDx Variant Classification (06012015). Collection method: clinical testing. Allele origin: germline. Affected: yes.
Comment: TAAD is a genetically heterogeneous disorder characterized by aortic dilatation, aneurysms, dissections and/or aneurysms of other major arteries. The COL5A2 gene encodes for a precursor of type V collagen, which contributes to the structural integrity of various connective tissues, and disruption of COL5A2 function leads to a non-functional alpha-2 (V) chain (Wenstrup et al., 2004). Heterozygous mutations in the COL5A2 gene are associated with Ehlers-Danlos syndrome (EDS), classic type. Approximately 4% of patients with EDS, classic type, have been reported to have a mutation in the COL5A2 gene (Malfait F et al., 2011) p.His1239Arg (H1239R) (CAC>CGC): c.3716 A>G in exon 51 of the COL5A2 gene (NM_000393.3) A variant of unknown significance has been identified in the COL5A2 gene. The H1239R variant has not been published as a mutation or reported as a benign polymorphism to our knowledge. This variant was not observed in approximately 6,500 individuals of European and African American ancestry in the NHLBI Exome Sequencing Project, indicating it is not a common benign variant in these populations. Although this substitution occurs at a position that is conserved in mammals, the H1239R variant is a conservative amino acid substitution, which is not likely to impact secondary protein structure as these residues share similar properties. In silico analysis is inconsistent in its predictions as to whether or not the variant is damaging to the protein structure/function. Furthermore, no missense mutations in nearby residues have been reported in association with EDS, and the H1239R variant does not affect a Glycine residue in a Gly-X-Y motif in the triple helical region of the COL5A2 gene, where the majority of missense mutations occur (Symoens et al., 2012). Therefore, based on the currently available information, it is unclear whether this variant is a pathogenic mutation or a rare benign variant. This variant was found in TAADV2-PANCARD.

NM_000393.5(COL5A2):c.3716A>G (p.His1239Arg)

Gene: COL5A2 (collagen type V alpha 2 chain; minus strand). Cytogenetic location: 2q32.2.
Variant type: single nucleotide variant.
Coding change: c.3716A>G on transcript NM_000393.5 (MANE Select); coding-DNA position 3716, A replaced by G.
Protein change: p.His1239Arg; replaces histidine 1239 with arginine.
Molecular consequence: missense variant.
Genome position (GRCh38, 1-based): chr2:189,039,481, T>C on the plus strand (A>G on the coding strand, the complement: COL5A2 is on the minus strand). VCF-style: chr2-189039481-T-C. GRCh37 (hg19) VCF-style: chr2-189904207-T-C.
Other names: p.H1239R:CAC>CGC; short protein forms H1239R.
Identifiers: ClinVar variation 213159 (VCV000213159.11), dbSNP rs773321546, ClinGen allele CA320521.